The following is an entry in ClinVar:

ClinVar aggregate classification (germline): Pathogenic/Likely pathogenic. Review status: criteria provided, multiple submitters, no conflicts (2 of 4 stars). 4 submissions from 4 submitters: Pathogenic (1); Likely pathogenic (3). Last evaluated 2025-10-08.

Conditions:
Glutaric aciduria, type 1. Also called: Glutaryl-CoA dehydrogenase deficiency; Glutaric acidemia type I; Glutaricaciduria, type I; Glutaricacidemia Type 1; GA I; Glutaric Acidemia Type 1. Identifiers: Orphanet 25, MedGen C0268595, MONDO:0009281, OMIM 231670.

Submissions (4):

Women's Health and Genetics/Laboratory Corporation of America, LabCorp
Classification: Likely pathogenic for Glutaric aciduria, type 1. Last evaluated: 2025-10-08. Review status: criteria provided, single submitter. Criteria: LabCorp Variant Classification Summary - May 2015. Collection method: clinical testing. Allele origin: germline.
Comment: Variant summary: GCDH c.257C>G (p.Ala86Gly) results in a non-conservative amino acid change located in the Acyl-CoA dehydrogenase, N-terminal domain (IPR013786) of the encoded protein sequence. Algorithms developed to predict the effect of missense changes on protein structure and function are either unavailable or do not agree on the potential impact of this missense change. The variant was absent in 251424 control chromosomes (gnomAD). c.257C>G has been reported in the literature in compound heterozygous individuals affected with Glutaric Acidemia Type 1 (Christensen_2004, Demailly_2018). These data indicate that the variant may be associated with disease. To our knowledge, no experimental evidence demonstrating an impact on protein function has been reported. The following publications have been ascertained in the context of this evaluation (PMID: 15505393, 30838298, 37020324). ClinVar contains an entry for this variant (Variation ID: 2169610). Based on the evidence outlined above, the variant was classified as likely pathogenic.

Natera, Inc.
Classification: Likely pathogenic for Glutaric acidemia type 1. Last evaluated: 2025-02-14. Review status: criteria provided, single submitter. Criteria: Natera Variant Classification Schema (03/2026). Collection method: clinical testing. Allele origin: germline.
Comment: The c.257C>G variant in GCDH is a missense variant predicted to cause substitution of alanine to glycine at amino acid 86. This variant is rare in the general population with a frequency below the threshold expected for the associated phenotype(s). This variant has been observed in one or more individuals affected with the associated recessive disease, as either homozygous or compound heterozygous with a second variant (PMID: 30838298, 15505393). Computational prediction algorithms indicate this variant is likely to affect gene or protein function. Given the available evidence, this variant is classified as Likely Pathogenic.

Baylor Genetics
Classification: Likely pathogenic for Glutaric aciduria, type 1. Last evaluated: 2024-03-30. Review status: criteria provided, single submitter. Criteria: ACMG Guidelines, 2015. Collection method: clinical testing. Allele origin: unknown.

Labcorp Genetics (formerly Invitae), Labcorp
Classification: Pathogenic for Glutaric aciduria, type 1. Last evaluated: 2021-12-31. Review status: criteria provided, single submitter. Criteria: Invitae Variant Classification Sherloc (09022015). Collection method: clinical testing. Allele origin: germline.
Comment: For these reasons, this variant has been classified as Pathogenic. Advanced modeling of protein sequence and biophysical properties (such as structural, functional, and spatial information, amino acid conservation, physicochemical variation, residue mobility, and thermodynamic stability) performed at Invitae indicates that this missense variant is expected to disrupt GCDH protein function. This missense change has been observed in individual(s) with glutaric aciduria type I (PMID: 15505393, 30838298). In at least one individual the data is consistent with being in trans (on the opposite chromosome) from a pathogenic variant. This variant is not present in population databases (gnomAD no frequency). This sequence change replaces alanine, which is neutral and non-polar, with glycine, which is neutral and non-polar, at codon 86 of the GCDH protein (p.Ala86Gly).

Literature cited by the submitters: PubMed 15505393 (cited by 3 submitters); PubMed 37020324 (cited by Women's Health and Genetics/Laboratory Corporation of America, LabCorp); PubMed 30838298 (cited by 3 submitters).

NM_000159.4(GCDH):c.257C>G (p.Ala86Gly)

Gene: GCDH (glutaryl-CoA dehydrogenase; plus strand). Cytogenetic location: 19p13.13.
Variant type: single nucleotide variant.
Coding change: c.257C>G on transcript NM_000159.4 (MANE Select); coding-DNA position 257, C replaced by G.
Protein change: p.Ala86Gly; replaces alanine 86 with glycine.
Molecular consequence: missense variant. On other transcripts: non-coding transcript variant (2).
Genome position (GRCh38, 1-based): chr19:12,891,960, C>G. VCF-style: chr19-12891960-C-G. GRCh37 (hg19) VCF-style: chr19-13002774-C-G.
Other names: c.257C>G, p.Ala86Gly (NM_013976.5); c.257C>G (NM_000159.3); short protein forms A86G.
Identifiers: ClinVar variation 2169610 (VCV002169610.9), dbSNP rs1970568352, ClinGen allele CA404315510.